The following is an entry in ClinVar:

ClinVar aggregate classification (germline): Uncertain significance (1 of 4 stars; one submission).

Conditions:
Congenital myasthenic syndrome 4A. Also called: MYASTHENIC SYNDROME, CONGENITAL, 4A, SLOW-CHANNEL, AUTOSOMAL RECESSIVE; Myasthenic syndrome, congenital, 4a, slow-channel; CONGENITAL MYASTHENIC SYNDROME TYPE Ia1. Identifiers: Orphanet 590, MedGen C4225413, MONDO:0011600, OMIM 605809.

Submission:

Labcorp Genetics (formerly Invitae), Labcorp
Classification: Uncertain significance for Congenital myasthenic syndrome 4A. Last evaluated: 2022-04-13. Review status: criteria provided, single submitter. Criteria: Invitae Variant Classification Sherloc (09022015). Collection method: clinical testing. Allele origin: germline.
Comment: In summary, the available evidence is currently insufficient to determine the role of this variant in disease. Therefore, it has been classified as a Variant of Uncertain Significance. Advanced modeling of protein sequence and biophysical properties (such as structural, functional, and spatial information, amino acid conservation, physicochemical variation, residue mobility, and thermodynamic stability) performed at Invitae indicates that this missense variant is not expected to disrupt CHRNE protein function. This variant has not been reported in the literature in individuals affected with CHRNE-related conditions. This variant is not present in population databases (gnomAD no frequency). This sequence change replaces leucine, which is neutral and non-polar, with serine, which is neutral and polar, at codon 12 of the CHRNE protein (p.Leu12Ser).

NM_000080.4(CHRNE):c.35T>C (p.Leu12Ser)

Genes: C17orf107 (chromosome 17 open reading frame 107; plus strand), CHRNE (cholinergic receptor nicotinic epsilon subunit; minus strand). Cytogenetic location: 17p13.2.
Variant type: single nucleotide variant.
Coding change: c.35T>C on transcript NM_000080.4 (MANE Select); coding-DNA position 35, T replaced by C.
Protein change: p.Leu12Ser; replaces leucine 12 with serine.
Molecular consequence: missense variant.
Genome position (GRCh38, 1-based): chr17:4,903,029, A>G on the plus strand (T>C on the coding strand, the complement: CHRNE is on the minus strand). VCF-style: chr17-4903029-A-G. GRCh37 (hg19) VCF-style: chr17-4806324-A-G.
Other names: short protein forms L12S.
Identifiers: ClinVar variation 2121855 (VCV002121855.4), dbSNP rs758635056, ClinGen allele CA397308014.